The following is an entry in ClinVar:

NM_024675.4(PALB2):c.264del (p.Asp89fs)

Gene: PALB2 (partner and localizer of BRCA2; minus strand). Cytogenetic location: 16p12.2.
Variant type: Deletion.
Coding change: c.264del on transcript NM_024675.4 (MANE Select); coding-DNA position 264, one base deleted (T; older notation c.264delT).
Protein change: p.Asp89fs; shifts the reading frame from aspartic acid 89.
Molecular consequence: frameshift variant.
Genome position (GRCh38, 1-based): chr16:23,636,282, A deleted on the plus strand (T on the coding strand, the reverse complement: PALB2 is on the minus strand); the first of 2 consecutive A bases (chr16:23,636,282-23,636,283); deleting either gives the same sequence. VCF-style (leftmost placement, unchanged base first): chr16-23636281-CA-C. GRCh37 (hg19) VCF-style: chr16-23647602-CA-C.
Other names: c.203delT, p.Asp69Metfs (NM_001407296.1); c.263delT, p.Asp89Metfs (NM_001407297.1, NM_001407298.1, NM_001407299.1 and 3 more transcripts); c.-623delT (NM_001407304.1, NM_001407305.1, NM_001407306.1 and 5 more transcripts); c.264delT (NM_024675.3); short protein forms D89fs.
Identifiers: ClinVar variation 1794306 (VCV001794306.3), dbSNP rs2506518476, ClinGen allele CA2580091373.

ClinVar aggregate classification (germline): Pathogenic. Review status: criteria provided, multiple submitters, no conflicts (2 of 4 stars). 2 submissions from 2 submitters: Pathogenic (2). Last evaluated 2023-09-06.

Conditions:
Hereditary cancer-predisposing syndrome. Also called: Tumor predisposition; Hereditary Cancer Syndrome; Neoplastic Syndromes, Hereditary; Hereditary neoplastic syndrome. Identifiers: Orphanet 140162, MedGen C0027672, MeSH D009386, MONDO:0015356.
Familial cancer of breast. Also called: Hereditary breast cancer; BREAST CANCER, FAMILIAL; hereditary breast carcinoma. Identifiers: Orphanet 227535, MedGen C0346153, MONDO:0016419, OMIM 114480. Disease mechanism: loss of function.

Submissions (2):

Myriad Genetics, Inc.
Classification: Pathogenic for Familial cancer of breast. Last evaluated: 2023-09-06. Review status: criteria provided, single submitter. Criteria: Myriad Autosomal Dominant, Autosomal Recessive and X-Linked Classification Criteria (2023). Collection method: clinical testing. Allele origin: unknown.
Comment: This variant is considered pathogenic. This variant creates a frameshift predicted to result in premature protein truncation.

Ambry Genetics
Classification: Pathogenic for Hereditary cancer-predisposing syndrome. Last evaluated: 2022-02-14. Review status: criteria provided, single submitter. Criteria: Ambry Variant Classification Scheme 2023. Collection method: clinical testing. Allele origin: germline.
Comment: The c.264delT pathogenic mutation, located in coding exon 4 of the PALB2 gene, results from a deletion of one nucleotide at nucleotide position 264, causing a translational frameshift with a predicted alternate stop codon (p.D89Mfs*88). This variant is considered to be rare based on population cohorts in the Genome Aggregation Database (gnomAD). This alteration is expected to result in loss of function by premature protein truncation or nonsense-mediated mRNA decay. As such, this alteration is interpreted as a disease-causing mutation.